The following is an entry in ClinVar:

ClinVar aggregate classification (germline): Uncertain significance. Review status: criteria provided, multiple submitters, no conflicts (2 of 4 stars). 3 submissions from 3 submitters: Uncertain significance (3). Last evaluated 2025-07-18.

Conditions:
Plasminogen deficiency, type I. Also called: Type 1 plasminogen deficiency; Hypoplasminogenemia. Identifiers: Orphanet 722, MedGen C1968804, MONDO:0009009, OMIM 217090.
Angioedema, hereditary, 4. Identifiers: MedGen C5543503, MONDO:0025712, OMIM 619360.
Inborn genetic diseases. Identifiers: MedGen C0950123, MeSH D030342.

Allele frequency attached by ClinVar (database versions not stated): ExAC 0.00001; TOPMed 0.00009; gnomAD exomes 0.00001.
gnomAD v4.1: 8 of 1,590,358 alleles (0.0005%); highest among the groups gnomAD compares: Admixed American, 0.013%; no homozygotes.

Submissions (3):

Ambry Genetics
Classification: Uncertain significance for Inborn genetic diseases. Last evaluated: 2025-07-18. Review status: criteria provided, single submitter. Criteria: Ambry Variant Classification Scheme 2023. Collection method: clinical testing. Allele origin: germline.

Labcorp Genetics (formerly Invitae), Labcorp
Classification: Uncertain significance. Last evaluated: 2025-04-09. Review status: criteria provided, single submitter. Criteria: Invitae Variant Classification Sherloc (09022015). Collection method: clinical testing. Allele origin: germline.
Comment: This sequence change replaces alanine, which is neutral and non-polar, with valine, which is neutral and non-polar, at codon 675 of the PLG protein (p.Ala675Val). This variant is present in population databases (rs755339005, gnomAD 0.02%). This variant has not been reported in the literature in individuals affected with PLG-related conditions. ClinVar contains an entry for this variant (Variation ID: 2903631). Invitae Evidence Modeling of protein sequence and biophysical properties (such as structural, functional, and spatial information, amino acid conservation, physicochemical variation, residue mobility, and thermodynamic stability) indicates that this missense variant is not expected to disrupt PLG protein function with a negative predictive value of 80%. In summary, the available evidence is currently insufficient to determine the role of this variant in disease. Therefore, it has been classified as a Variant of Uncertain Significance.

Fulgent Genetics
Classification: Uncertain significance for Plasminogen deficiency, type I; Angioedema, hereditary, 4. Last evaluated: 2024-06-14. Review status: criteria provided, single submitter. Criteria: ACMG Guidelines, 2015. Collection method: clinical testing. Allele origin: germline.

NM_000301.5(PLG):c.2024C>T (p.Ala675Val)

Gene: PLG (plasminogen; plus strand). Cytogenetic location: 6q26.
Variant type: single nucleotide variant.
Coding change: c.2024C>T on transcript NM_000301.5 (MANE Select); coding-DNA position 2024, C replaced by T.
Protein change: p.Ala675Val; replaces alanine 675 with valine.
Molecular consequence: missense variant.
Genome position (GRCh38, 1-based): chr6:160,741,316, C>T. VCF-style: chr6-160741316-C-T. GRCh37 (hg19) VCF-style: chr6-161162348-C-T.
Other names: short protein forms A675V.
Identifiers: ClinVar variation 2903631 (VCV002903631.5), dbSNP rs755339005, ClinGen allele CA4087970.